The following is an entry in ClinVar:

NM_006017.3(PROM1):c.970A>G (p.Ser324Gly)

Gene: PROM1 (prominin 1; minus strand). Cytogenetic location: 4p15.32.
Variant type: single nucleotide variant.
Coding change: c.970A>G on transcript NM_006017.3 (MANE Select); coding-DNA position 970, A replaced by G.
Protein change: p.Ser324Gly; replaces serine 324 with glycine.
Molecular consequence: missense variant.
Genome position (GRCh38, 1-based): chr4:16,018,355, T>C on the plus strand (A>G on the coding strand, the complement: PROM1 is on the minus strand). VCF-style: chr4-16018355-T-C. GRCh37 (hg19) VCF-style: chr4-16019978-T-C.
Other names: c.970A>G (NM_006017.2); c.943A>G, p.Ser315Gly (NM_001145847.2, NM_001145848.2, NM_001145851.2 and 4 more transcripts); c.970A>G, p.Ser324Gly (NM_001145849.2, NM_001145850.2); short protein forms S315G, S324G.
Identifiers: ClinVar variation 1523898 (VCV001523898.11), dbSNP rs766654108, ClinGen allele CA2866909.

ClinVar aggregate classification (germline): Conflicting classifications of pathogenicity. Review status: criteria provided, conflicting classifications (1 of 4 stars). 4 submissions from 4 submitters: Uncertain significance (3); Likely benign (1). Last evaluated 2024-04-23.

Conditions:
Inborn genetic diseases. Identifiers: MedGen C0950123, MeSH D030342.
Cone-rod dystrophy 12 (CORD12). Identifiers: Orphanet 1872, MedGen C2675210, MONDO:0012983, OMIM 612657.
Stargardt disease 4 (STGD4). Identifiers: Orphanet 827, MedGen C1863534, MONDO:0011370, OMIM 603786.
Retinal macular dystrophy type 2 (MCDR2). Also called: Bull's eye macular dystrophy. Identifiers: Orphanet 319640, MedGen C4749334, MONDO:0011957, OMIM 608051.
Retinitis pigmentosa 41 (RP41). Also called: RETINAL DEGENERATION, AUTOSOMAL RECESSIVE, PROMININ-RELATED. Identifiers: Orphanet 791, MedGen C2677516, MONDO:0012796, OMIM 612095.

Allele frequency attached by ClinVar (database versions not stated): ExAC 0.00001; gnomAD 0.00001; gnomAD exomes 0.00001 and 0.00004; TOPMed 0.00003.
gnomAD v4.1: 24 of 1,613,446 alleles (0.0015%); highest among the groups gnomAD compares: East Asian, 0.051%; no homozygotes.

Submissions (4):

Ambry Genetics
Classification: Uncertain significance for Inborn genetic diseases. Last evaluated: 2024-04-23. Review status: criteria provided, single submitter. Criteria: Ambry Variant Classification Scheme 2023. Collection method: clinical testing. Allele origin: germline.

Blueprint Genetics
Classification: Likely benign. Last evaluated: 2023-10-18. Review status: criteria provided, single submitter. Criteria: ACMG Guidelines, 2015. Collection method: clinical testing. Allele origin: germline.

Labcorp Genetics (formerly Invitae), Labcorp
Classification: Uncertain significance. Last evaluated: 2023-06-09. Review status: criteria provided, single submitter. Criteria: Invitae Variant Classification Sherloc (09022015). Collection method: clinical testing. Allele origin: germline.
Comment: This sequence change replaces serine, which is neutral and polar, with glycine, which is neutral and non-polar, at codon 324 of the PROM1 protein (p.Ser324Gly). This variant is present in population databases (rs766654108, gnomAD 0.05%). In summary, the available evidence is currently insufficient to determine the role of this variant in disease. Therefore, it has been classified as a Variant of Uncertain Significance. Advanced modeling of protein sequence and biophysical properties (such as structural, functional, and spatial information, amino acid conservation, physicochemical variation, residue mobility, and thermodynamic stability) performed at Invitae indicates that this missense variant is not expected to disrupt PROM1 protein function. ClinVar contains an entry for this variant (Variation ID: 1523898). This variant has not been reported in the literature in individuals affected with PROM1-related conditions.

Department of Pathology and Laboratory Medicine, Sinai Health System
Classification: Uncertain significance for Stargardt disease 4; Retinal macular dystrophy type 2; Retinitis pigmentosa 41; Cone-rod dystrophy 12. Last evaluated: 2021-07-30. Review status: criteria provided, single submitter. Criteria: ACMG Guidelines, 2015. Collection method: research. Allele origin: germline.